The following is an entry in ClinVar:

ClinVar aggregate classification (germline): Uncertain significance. Review status: criteria provided, multiple submitters, no conflicts (2 of 4 stars). 2 submissions from 2 submitters: Uncertain significance (2). Last evaluated 2025-01-29.

Conditions:
Inborn genetic diseases. Identifiers: MedGen C0950123, MeSH D030342.

Allele frequency attached by ClinVar (database versions not stated): ExAC 0.00001; gnomAD 0.00002; TOPMed 0.00002.
gnomAD v4.1: 23 of 1,611,412 alleles (0.0014%); highest among the groups gnomAD compares: Non-Finnish European, 0.0019%; no homozygotes.

Submissions (2):

Ambry Genetics
Classification: Uncertain significance for Inborn genetic diseases. Last evaluated: 2025-01-29. Review status: criteria provided, single submitter. Criteria: Ambry Variant Classification Scheme 2023. Collection method: clinical testing. Allele origin: germline.

Labcorp Genetics (formerly Invitae), Labcorp
Classification: Uncertain significance. Last evaluated: 2023-03-09. Review status: criteria provided, single submitter. Criteria: Invitae Variant Classification Sherloc (09022015). Collection method: clinical testing. Allele origin: germline.
Comment: Advanced modeling of protein sequence and biophysical properties (such as structural, functional, and spatial information, amino acid conservation, physicochemical variation, residue mobility, and thermodynamic stability) performed at Invitae indicates that this missense variant is not expected to disrupt DCHS1 protein function. This sequence change replaces methionine, which is neutral and non-polar, with leucine, which is neutral and non-polar, at codon 362 of the DCHS1 protein (p.Met362Leu). This variant is present in population databases (rs777616040, gnomAD 0.002%). This variant has not been reported in the literature in individuals affected with DCHS1-related conditions. ClinVar contains an entry for this variant (Variation ID: 1984218). In summary, the available evidence is currently insufficient to determine the role of this variant in disease. Therefore, it has been classified as a Variant of Uncertain Significance.

NM_003737.4(DCHS1):c.1084A>C (p.Met362Leu)

Gene: DCHS1 (dachsous cadherin-related 1; minus strand). Cytogenetic location: 11p15.4.
Variant type: single nucleotide variant.
Coding change: c.1084A>C on transcript NM_003737.4 (MANE Select); coding-DNA position 1084, A replaced by C.
Protein change: p.Met362Leu; replaces methionine 362 with leucine.
Molecular consequence: missense variant.
Genome position (GRCh38, 1-based): chr11:6,640,530, T>G on the plus strand (A>C on the coding strand, the complement: DCHS1 is on the minus strand). VCF-style: chr11-6640530-T-G. GRCh37 (hg19) VCF-style: chr11-6661761-T-G.
Other names: c.1084A>C (NM_003737.2); short protein forms M362L.
Identifiers: ClinVar variation 1984218 (VCV001984218.5), dbSNP rs777616040, ClinGen allele CA5861029.